The following is an entry in ClinVar:

ClinVar aggregate classification (germline): Pathogenic (1 of 4 stars; one submission).

Conditions:
Carney-Stratakis syndrome. Also called: PARAGANGLIOMA AND GASTROINTESTINAL STROMAL TUMOR. Identifiers: Orphanet 97286, MedGen C1847319, MONDO:0011740, OMIM 606864.
Paragangliomas with sensorineural hearing loss. Identifiers: MedGen C1868633.
Pheochromocytoma. Also called: MAX-Related Hereditary Paraganglioma-Pheochromocytoma Syndrome. Identifiers: Orphanet 29072, MedGen C0031511, MONDO:0008233, OMIM 171300, HP:0002666.
Cowden syndrome 3 (CWS3). Identifiers: Orphanet 201, MedGen CN166604, MONDO:0014045.

Submission:

Labcorp Genetics (formerly Invitae), Labcorp
Classification: Pathogenic for Carney-Stratakis syndrome; Paragangliomas with sensorineural hearing loss; Pheochromocytoma; Cowden syndrome 3. Last evaluated: 2022-10-12. Review status: criteria provided, single submitter. Criteria: Invitae Variant Classification Sherloc (09022015). Collection method: clinical testing. Allele origin: germline.
Comment: For these reasons, this variant has been classified as Pathogenic. This variant has not been reported in the literature in individuals affected with SDHD-related conditions. This variant is not present in population databases (gnomAD no frequency). This sequence change creates a premature translational stop signal (p.Val46Hisfs*20) in the SDHD gene. It is expected to result in an absent or disrupted protein product. Loss-of-function variants in SDHD are known to be pathogenic (PMID: 19454582, 19802898).

Literature cited by the submitters: PubMed 19454582; PubMed 19802898.

NM_003002.4(SDHD):c.136_143del (p.Val46fs)

Gene: SDHD (succinate dehydrogenase complex subunit D; plus strand). Cytogenetic location: 11q23.1.
Variant type: Deletion.
Coding change: c.136_143del on transcript NM_003002.4 (MANE Select); coding-DNA positions 136 to 143, 8 bases deleted (GTGCAGCA; older notation c.136_143delGTGCAGCA).
Protein change: p.Val46fs; shifts the reading frame from valine 46.
Molecular consequence: frameshift variant. On other transcripts: non-coding transcript variant (1), intron variant (1).
Genome position (GRCh38, 1-based): chr11:112,087,940-112,087,947, GTGCAGCA deleted; deleting any 8 consecutive bases within chr11:112,087,939-112,087,947 gives the same sequence; the c. name uses the placement nearest the transcript's 3' end. VCF-style (leftmost placement, unchanged base first): chr11-112087938-GAGTGCAGC-G. GRCh37 (hg19) VCF-style: chr11-111958662-GAGTGCAGC-G.
Other names: c.136_143del, p.Val46fs (NM_001276503.2, NM_001276506.2); c.53-927_53-920del (NM_001276504.2); short protein forms V46fs.
Identifiers: ClinVar variation 2035265 (VCV002035265.4), dbSNP rs2498900155, ClinGen allele CA2580083458.